The following is an entry in ClinVar:

ClinVar aggregate classification (germline): Uncertain significance (1 of 4 stars; one submission).

Conditions:
CEP164-related disorder. Also called: CEP164-related condition.

Submission:

PreventionGenetics, part of Exact Sciences
Classification: Uncertain significance for CEP164-related condition. Last evaluated: 2026-01-02. Review status: criteria provided, single submitter. Criteria: ACMG Guidelines, 2015. Collection method: clinical testing. Allele origin: germline.
Comment: The CEP164 c.568A>C variant is predicted to result in the amino acid substitution p.Lys190Gln. To our knowledge, this variant has not been reported in the literature or in a large population database (gnomAD), indicating this variant is rare. At this time, the clinical significance of this variant is uncertain due to the absence of conclusive functional and genetic evidence.

NM_014956.5(CEP164):c.568A>C (p.Lys190Gln)

Gene: CEP164 (centrosomal protein 164; plus strand). Cytogenetic location: 11q23.3.
Variant type: single nucleotide variant.
Coding change: c.568A>C on transcript NM_014956.5 (MANE Select); coding-DNA position 568, A replaced by C.
Protein change: p.Lys190Gln; replaces lysine 190 with glutamine.
Molecular consequence: missense variant.
Genome position (GRCh38, 1-based): chr11:117,362,419, A>C. VCF-style: chr11-117362419-A-C. GRCh37 (hg19) VCF-style: chr11-117233135-A-C.
Other names: c.568A>C, p.Lys190Gln (NM_001271933.2, NM_001440949.1, NM_001440950.1 and 36 more transcripts); c.430A>C, p.Lys144Gln (NM_001440960.1); short protein forms K190Q, K144Q.
Identifiers: ClinVar variation 4999895 (VCV004999895.1).